The following is an entry in ClinVar:

NM_006767.4(LZTR1):c.579T>G (p.Tyr193Ter)

Gene: LZTR1 (leucine zipper like post translational regulator 1; plus strand). Cytogenetic location: 22q11.21.
Variant type: single nucleotide variant.
Coding change: c.579T>G on transcript NM_006767.4 (MANE Select); coding-DNA position 579, T replaced by G.
Protein change: p.Tyr193Ter; replaces tyrosine 193 with a stop codon.
Molecular consequence: nonsense.
Genome position (GRCh38, 1-based): chr22:20,988,858, T>G. VCF-style: chr22-20988858-T-G. GRCh37 (hg19) VCF-style: chr22-21343147-T-G.
Other names: short protein forms Y193*.
Identifiers: ClinVar variation 1071803 (VCV001071803.7), dbSNP rs766392700, ClinGen allele CA410780223.
Genomic context (GRCh38, chr22:20,988,858, plus strand): 5'-CGCTAGGTCAGCCCATGGGGCCACGGTGTACAGTGACAAGCTGTGGATCTTTGCTGGCTA[T>G]GACGGCAACGCCAGGTGGGTGGTGGTCCGGCCTGTGCACCCCACCTCCGACAGCACTGAG-3'

ClinVar aggregate classification (germline): Pathogenic (1 of 4 stars; one submission).

Submission:

Labcorp Genetics (formerly Invitae), Labcorp
Classification: Pathogenic. Last evaluated: 2020-06-29. Review status: criteria provided, single submitter. Criteria: Invitae Variant Classification Sherloc (09022015). Collection method: clinical testing. Allele origin: germline.
Comment: For these reasons, this variant has been classified as Pathogenic. Loss-of-function variants in LZTR1 are known to be pathogenic (PMID: 24362817, 25335493, 25480913, 29469822, 30442762, 30859559). Algorithms developed to predict the effect of sequence changes on RNA splicing suggest that this variant may create or strengthen a splice site, but this prediction has not been confirmed by published transcriptional studies. This variant has not been reported in the literature in individuals with LZTR1-related conditions. This variant is not present in population databases (ExAC no frequency). This sequence change creates a premature translational stop signal (p.Tyr193*) in the LZTR1 gene. It is expected to result in an absent or disrupted protein product.

Literature cited by the submitters: PubMed 24362817; PubMed 25335493; PubMed 25480913; PubMed 29469822; PubMed 30442762; PubMed 30859559.